The following is an entry in ClinVar:

ClinVar aggregate classification (germline): Pathogenic (1 of 4 stars; one submission).

Conditions:
Hereditary cancer-predisposing syndrome. Also called: Neoplastic Syndromes, Hereditary; Hereditary Cancer Syndrome; Tumor predisposition; Hereditary neoplastic syndrome. Identifiers: Orphanet 140162, MedGen C0027672, MeSH D009386, MONDO:0015356.

Submission:

Ambry Genetics
Classification: Pathogenic for Hereditary cancer-predisposing syndrome. Last evaluated: 2024-12-11. Review status: criteria provided, single submitter. Criteria: Ambry Variant Classification Scheme 2023. Collection method: clinical testing. Allele origin: germline.
Comment: The c.1167_1180del14insGGAGTAAATACTTTACATACATATATGTAAATACTTTACATACATATATGTAAAGTATATGTGAT pathogenic mutation (also known as p.L390_H484delinsE*), located in coding exon 10 of the SUFU gene, results from an in-frame deletion of 14 nucleotides and insertion of 65 nucleotides between positions 1167 to 1180. This variant is considered to be rare based on population cohorts in the Genome Aggregation Database (gnomAD). This alteration is expected to result in loss of function by premature protein truncation or nonsense-mediated mRNA decay. As such, this alteration is interpreted as a disease-causing mutation.

NM_016169.4(SUFU):c.1167_1180delinsGGAGTAAATACTTTACATACATATATGTAAATACTTTACATACATATATGTAAAGTATATGTGAT (p.Leu390_His394delinsGluTer)

Gene: SUFU (SUFU negative regulator of hedgehog signaling; plus strand). Cytogenetic location: 10q24.32.
Variant type: Indel.
Coding change: c.1167_1180delinsGGAGTAAATACTTTACATACATATATGTAAATACTTTACATACATATATGTAAAGTATATGTGAT on transcript NM_016169.4 (MANE Select); coding-DNA positions 1167 to 1180, the reference bases replaced by an inserted sequence.
Protein change: p.Leu390_His394delinsGluTer.
Molecular consequence: nonsense.
Genome position (GRCh38, 1-based): chr10:102,617,299-102,617,312, 14 bases replaced. GRCh37 (hg19): chr10:104,377,056-104,377,069.
Other names: c.1167_1180delinsGGAGTAAATACTTTACATACATATATGTAAATACTTTACATACATATATGTAAAGTATATGTGAT, p.Leu390_His394delinsGluTer (NM_001178133.2).
Identifiers: ClinVar variation 3802885 (VCV003802885.1).